The following is an entry in ClinVar:

ClinVar aggregate classification (germline): Pathogenic (1 of 4 stars; one submission).

Submission:

Labcorp Genetics (formerly Invitae), Labcorp
Classification: Pathogenic. Last evaluated: 2025-07-23. Review status: criteria provided, single submitter. Criteria: Invitae Variant Classification Sherloc (09022015). Collection method: clinical testing. Allele origin: germline.
Comment: This sequence change creates a premature translational stop signal (p.Tyr2188*) in the CPLANE1 gene. It is expected to result in an absent or disrupted protein product. Loss-of-function variants in CPLANE1 are known to be pathogenic (PMID: 24178751, 26092869). This variant is not present in population databases (gnomAD no frequency). This variant has not been reported in the literature in individuals affected with CPLANE1-related conditions. For these reasons, this variant has been classified as Pathogenic.

Literature cited by the submitters: PubMed 24178751; PubMed 26092869.

NM_001384732.1(CPLANE1):c.6564T>G (p.Tyr2188Ter)

Gene: CPLANE1 (ciliogenesis and planar polarity effector complex subunit 1; minus strand). Cytogenetic location: 5p13.2.
Variant type: single nucleotide variant.
Coding change: c.6564T>G on transcript NM_001384732.1 (MANE Select); coding-DNA position 6564, T replaced by G.
Protein change: p.Tyr2188Ter; replaces tyrosine 2188 with a stop codon.
Molecular consequence: nonsense.
Genome position (GRCh38, 1-based): chr5:37,169,460, A>C on the plus strand (T>G on the coding strand, the complement: CPLANE1 is on the minus strand). VCF-style: chr5-37169460-A-C. GRCh37 (hg19) VCF-style: chr5-37169562-A-C.
Other names: c.6564T>G, p.Tyr2188Ter (NM_023073.4); short protein forms Y2188*.
Identifiers: ClinVar variation 4723884 (VCV004723884.1).